The following is an entry in ClinVar:

ClinVar aggregate classification (germline): Uncertain significance (1 of 4 stars; one submission).

Conditions:
Atypical hemolytic-uremic syndrome. Identifiers: Orphanet 2134, MedGen C2931788, MONDO:0016244.

Submission:

Genomenon, Inc
Classification: Uncertain significance for Atypical hemolytic-uremic syndrome. Last evaluated: 2026-09-17. Review status: criteria provided, single submitter. Criteria: Genomenon Sequence Variant Interpretation Standards - Updated. Collection method: curation. Allele origin: germline. Affected: yes.
Comment: CD46 p.Ala34Thr (c.100G>A) is a missense variant that changes the amino acid at codon 34 from alanine to threonine. This variant has been observed in at least one proband affected with atypical hemolytic-uremic syndrome (PMID:27268256;28840254). It is absent or not present at a significant frequency in gnomAD. In silico models predict that this variant is not damaging. In conclusion, we classify CD46 p.Ala34Thr (c.100G>A) as a variant of uncertain significance.

Literature cited by the submitters: PubMed 27268256; PubMed 28840254.

NM_172351.3(CD46):c.100G>A (p.Ala34Thr)

Gene: CD46 (CD46 molecule; plus strand). Cytogenetic location: 1q32.2.
Variant type: single nucleotide variant.
Coding change: c.100G>A on transcript NM_172351.3 (MANE Select); coding-DNA position 100, G replaced by A.
Protein change: p.Ala34Thr; replaces alanine 34 with threonine.
Molecular consequence: missense variant.
Genome position (GRCh38, 1-based): chr1:207,757,016, G>A. VCF-style: chr1-207757016-G-A. GRCh37 (hg19) VCF-style: chr1-207930361-G-A.
Other names: c.100G>A, p.Ala34Thr (NM_002389.4, NM_153826.4, NM_172350.3 and 8 more transcripts); short protein forms A34T.
Identifiers: ClinVar variation 4291236 (VCV004291236.2).